The following is an entry in ClinVar:

NM_004235.6(KLF4):c.1404G>A (p.Ser468=)

Gene: KLF4 (KLF transcription factor 4; minus strand). Cytogenetic location: 9q31.2.
Variant type: single nucleotide variant.
Coding change: c.1404G>A on transcript NM_004235.6 (MANE Select); coding-DNA position 1404, G replaced by A.
Protein change: p.Ser468=; no amino-acid change (serine 468 retained).
Molecular consequence: synonymous variant.
Genome position (GRCh38, 1-based): chr9:107,485,787, C>T on the plus strand (G>A on the coding strand, the complement: KLF4 is on the minus strand). VCF-style: chr9-107485787-C-T. GRCh37 (hg19) VCF-style: chr9-110248068-C-T.
Other names: c.1506G>A, p.Ser502= (NM_001314052.2); c.1506G>A (NM_001314052.1).
Identifiers: ClinVar variation 783554 (VCV000783554.6), dbSNP rs115734249, ClinGen allele CA5173000.

ClinVar aggregate classification (germline): Benign. Review status: criteria provided, single submitter (1 of 4 stars). 2 submissions from 2 submitters: Benign (1). 1 of the submissions does not count toward it. Last evaluated 2019-12-31.

Conditions:
KLF4-related disorder. Also called: KLF4-related condition.

Allele frequency attached by ClinVar (database versions not stated): gnomAD 0.00236; TOPMed 0.00244; ESP Exome Variant Server 0.00269; 1000 Genomes Project 0.00300; 1000 Genomes Project 30x 0.00344.
gnomAD v4.1: 654 of 1,581,724 alleles (0.041%); highest among the groups gnomAD compares: African/African-American, 0.76%; 3 homozygotes.

Submissions (2):

Labcorp Genetics (formerly Invitae), Labcorp
Classification: Benign. Last evaluated: 2019-12-31. Review status: criteria provided, single submitter. Criteria: Invitae Variant Classification Sherloc (09022015). Collection method: clinical testing. Allele origin: germline.

PreventionGenetics, part of Exact Sciences
Classification: Likely benign for KLF4-related condition. Last evaluated: 2023-12-04. Review status: no assertion criteria provided. Collection method: clinical testing. Allele origin: germline. Not counted in ClinVar's aggregate classification.
Comment: This variant is classified as likely benign based on ACMG/AMP sequence variant interpretation guidelines (Richards et al. 2015 PMID: 25741868, with internal and published modifications).